The following is an entry in ClinVar:

ClinVar aggregate classification (germline): Benign/Likely benign. Review status: criteria provided, multiple submitters, no conflicts (2 of 4 stars). 3 submissions from 3 submitters: Benign (1); Likely benign (1). 1 of the submissions does not count toward it. Last evaluated 2024-11-27.

Conditions:
CARD14-related disorder. Also called: CARD14-related condition.
Pityriasis rubra pilaris (PRP). Also called: Pityriasis rubra pilaris--familial type. Identifiers: Orphanet 2897, MedGen C0032027, MONDO:0100017, OMIM 173200, MONDO:0008251.
Psoriasis 2. Identifiers: MedGen C1864497, MONDO:0011269, OMIM 602723.

Allele frequency attached by ClinVar (database versions not stated): ExAC 0.00023; gnomAD 0.00031 and 0.00034; ESP Exome Variant Server 0.00038; TOPMed 0.00043; gnomAD exomes 0.00005 and 0.00016; 1000 Genomes Project 30x 0.00016; 1000 Genomes Project 0.00020.
gnomAD v4.1: 119 of 1,610,850 alleles (0.0074%); highest among the groups gnomAD compares: African/African-American, 0.1%; no homozygotes.

Submissions (3):

Blueprint Genetics
Classification: Likely benign. Last evaluated: 2024-11-27. Review status: criteria provided, single submitter. Criteria: ACMG Guidelines, 2015. Collection method: clinical testing. Allele origin: germline.

Labcorp Genetics (formerly Invitae), Labcorp
Classification: Benign for Pityriasis rubra pilaris; Psoriasis 2. Last evaluated: 2023-12-28. Review status: criteria provided, single submitter. Criteria: Invitae Variant Classification Sherloc (09022015). Collection method: clinical testing. Allele origin: germline.

PreventionGenetics, part of Exact Sciences
Classification: Likely benign for CARD14-related condition. Last evaluated: 2019-06-04. Review status: no assertion criteria provided. Collection method: clinical testing. Allele origin: germline. Not counted in ClinVar's aggregate classification.
Comment: This variant is classified as likely benign based on ACMG/AMP sequence variant interpretation guidelines (Richards et al. 2015 PMID: 25741868, with internal and published modifications).

NM_001366385.1(CARD14):c.1386G>A (p.Thr462=)

Gene: CARD14 (caspase recruitment domain family member 14; plus strand). Cytogenetic location: 17q25.3.
Variant type: single nucleotide variant.
Coding change: c.1386G>A on transcript NM_001366385.1 (MANE Select); coding-DNA position 1386, G replaced by A.
Protein change: p.Thr462=; no amino-acid change (threonine 462 retained).
Molecular consequence: synonymous variant. On other transcripts: non-coding transcript variant (1).
Genome position (GRCh38, 1-based): chr17:80,195,220, G>A. VCF-style: chr17-80195220-G-A. GRCh37 (hg19) VCF-style: chr17-78169019-G-A.
Other names: c.1386G>A, p.Thr462= (NM_024110.4, NM_001257970.1); c.675G>A, p.Thr225= (NM_052819.3).
Identifiers: ClinVar variation 527877 (VCV000527877.15), dbSNP rs146882682, ClinGen allele CA8816812.